The following is an entry in ClinVar:

ClinVar aggregate classification (germline): Uncertain significance (1 of 4 stars; one submission).

Allele frequency attached by ClinVar (database versions not stated): gnomAD 0.00001; gnomAD exomes 0.00001; TOPMed 0.00002; ExAC 0.00003.
gnomAD v4.1: 13 of 1,195,733 alleles (0.0011%); highest among the groups gnomAD compares: Non-Finnish European, 0.0015%; no homozygotes.

Submission:

Labcorp Genetics (formerly Invitae), Labcorp
Classification: Uncertain significance. Last evaluated: 2024-05-06. Review status: criteria provided, single submitter. Criteria: Invitae Variant Classification Sherloc (09022015). Collection method: clinical testing. Allele origin: germline.
Comment: This sequence change replaces glycine, which is neutral and non-polar, with glutamic acid, which is acidic and polar, at codon 237 of the GRIA3 protein (p.Gly237Glu). This variant is present in population databases (rs751978044, gnomAD 0.004%). This variant has not been reported in the literature in individuals affected with GRIA3-related conditions. Advanced modeling of protein sequence and biophysical properties (such as structural, functional, and spatial information, amino acid conservation, physicochemical variation, residue mobility, and thermodynamic stability) performed at Invitae indicates that this missense variant is not expected to disrupt GRIA3 protein function with a negative predictive value of 80%. In summary, the available evidence is currently insufficient to determine the role of this variant in disease. Therefore, it has been classified as a Variant of Uncertain Significance.

NM_007325.5(GRIA3):c.710G>A (p.Gly237Glu)

Gene: GRIA3 (glutamate ionotropic receptor AMPA type subunit 3; plus strand). Cytogenetic location: Xq25.
Variant type: single nucleotide variant.
Coding change: c.710G>A on transcript NM_007325.5 (MANE Select); coding-DNA position 710, G replaced by A.
Protein change: p.Gly237Glu; replaces glycine 237 with glutamic acid.
Molecular consequence: missense variant.
Genome position (GRCh38, 1-based): chrX:123,354,923, G>A. VCF-style: chrX-123354923-G-A. GRCh37 (hg19) VCF-style: chrX-122488774-G-A.
Other names: c.710G>A, p.Gly237Glu (NM_000828.5); short protein forms G237E.
Identifiers: ClinVar variation 2791278 (VCV002791278.3), dbSNP rs751978044, ClinGen allele CA10506946.